The following is an entry in ClinVar:

ClinVar aggregate classification (germline): Uncertain significance (1 of 4 stars; one submission).

Conditions:
Hereditary sensory and autonomic neuropathy type 6. Also called: HSAN VI; Neuropathy, hereditary sensory and autonomic, type VI. Identifiers: Orphanet 314381, MedGen C3539003, MONDO:0013839, OMIM 614653.
Epidermolysis bullosa simplex 3, localized or generalized intermediate, with BP230 deficiency (EBS3). Also called: Epidermolysis bullosa simplex due to BP230 deficiency; Epidermolysis bullosa simplex, autosomal recessive 2. Identifiers: Orphanet 412181, MedGen C3809470, MONDO:0014180, OMIM 615425.

Allele frequency attached by ClinVar (database versions not stated): gnomAD exomes 0.00001 and 0.00003; TOPMed 0.00003; gnomAD 0.00005.
gnomAD v4.1: 15 of 1,593,662 alleles (0.00094%); highest among the groups gnomAD compares: Admixed American, 0.024%; no homozygotes.

Submission:

Labcorp Genetics (formerly Invitae), Labcorp
Classification: Uncertain significance for Epidermolysis bullosa simplex 3, localized or generalized intermediate, with BP230 deficiency; Hereditary sensory and autonomic neuropathy type 6. Last evaluated: 2020-07-25. Review status: criteria provided, single submitter. Criteria: Invitae Variant Classification Sherloc (09022015). Collection method: clinical testing. Allele origin: germline.
Comment: In summary, the available evidence is currently insufficient to determine the role of this variant in disease. Therefore, it has been classified as a Variant of Uncertain Significance. This sequence change replaces glutamine with glutamic acid at codon 1463 of the DST protein (p.Gln1463Glu). The glutamine residue is highly conserved and there is a small physicochemical difference between the two amino acids. The DST gene has multiple clinically relevant transcripts. This variant occurs in alternate transcript NM_015548.4, and corresponds to NM_001723.5:c.*21384C>G in the primary transcript. This variant is not present in population databases (ExAC no frequency). This variant has not been reported in the literature in individuals with DST-related conditions. Experimental studies and prediction algorithms are not available or were not evaluated, and the functional significance of this variant is currently unknown.

NM_001374736.1(DST):c.12256C>G (p.Gln4086Glu)

Genes: DST (dystonin; minus strand), LOC129996656 (ATAC-STARR-seq lymphoblastoid active region 24702; plus strand). Cytogenetic location: 6p12.1.
Variant type: single nucleotide variant.
Coding change: c.12256C>G on transcript NM_001374736.1 (MANE Select); coding-DNA position 12256, C replaced by G.
Protein change: p.Gln4086Glu; replaces glutamine 4086 with glutamic acid.
Molecular consequence: missense variant.
Genome position (GRCh38, 1-based): chr6:56,594,133, G>C on the plus strand (C>G on the coding strand, the complement: DST is on the minus strand). VCF-style: chr6-56594133-G-C. GRCh37 (hg19) VCF-style: chr6-56458931-G-C.
Other names: c.5899C>G, p.Gln1967Glu (NM_001144769.5); c.5485C>G, p.Gln1829Glu (NM_001144770.2); c.12256C>G, p.Gln4086Glu (NM_001374722.1); c.11623C>G, p.Gln3875Glu (NM_001374729.1); c.5365C>G, p.Gln1789Glu (NM_001374730.1, NM_001386100.1, NM_183380.4); c.12283C>G, p.Gln4095Glu (NM_001374734.1); c.4387C>G, p.Gln1463Glu (NM_015548.5); short protein forms Q1463E, Q1789E, Q1829E, Q1967E, Q3875E, Q4086E, Q4095E.
Identifiers: ClinVar variation 1018303 (VCV001018303.7), dbSNP rs1463381470, ClinGen allele CA364527073.